The following is an entry in ClinVar:

NM_004560.4(ROR2):c.*927C>T

Gene: ROR2 (receptor tyrosine kinase like orphan receptor 2; minus strand). Cytogenetic location: 9q22.31.
Variant type: single nucleotide variant.
Coding change: c.*927C>T on transcript NM_004560.4 (MANE Select); 927 bases downstream of the stop codon, C replaced by T.
Molecular consequence: 3 prime UTR variant.
Genome position (GRCh38, 1-based): chr9:91,722,735, G>A on the plus strand (C>T on the coding strand, the complement: ROR2 is on the minus strand). VCF-style: chr9-91722735-G-A. GRCh37 (hg19) VCF-style: chr9-94485017-G-A.
Identifiers: ClinVar variation 367480 (VCV000367480.5), dbSNP rs150568265, ClinGen allele CA10627636.

ClinVar aggregate classification (germline): Benign/Likely benign. Review status: criteria provided, single submitter (1 of 4 stars). 2 submissions from 1 submitter: Benign (1); Likely benign (1). Last evaluated 2018-01-12.

Conditions:
Brachydactyly type B1 (BDB1). Identifiers: Orphanet 572385, Orphanet 93383, MedGen C1862112, MONDO:0007220, OMIM 113000.
Autosomal recessive Robinow syndrome (RRS1). Also called: ROBINOW SYNDROME, AUTOSOMAL RECESSIVE 1; COSTOVERTEBRAL SEGMENTATION DEFECT WITH MESOMELIA; COVESDEM SYNDROME; ROR2-Related Robinow Syndrome. Identifiers: Orphanet 1507, Orphanet 97360, MedGen C5399974, MONDO:0009999, OMIM 268310.

Allele frequency attached by ClinVar (database versions not stated): 1000 Genomes Project 30x 0.00078; 1000 Genomes Project 0.00080; TOPMed 0.00100; gnomAD exomes 0.00119; gnomAD 0.00132 and 0.00138.
gnomAD v4.1: 817 of 676,346 alleles (0.12%); highest among the groups gnomAD compares: Non-Finnish European, 0.17%; 2 homozygotes.

Submissions (2):

Illumina Laboratory Services, Illumina
Classification: Benign for Brachydactyly type B1. Last evaluated: 2018-01-12. Review status: criteria provided, single submitter. Criteria: ICSL Variant Classification Criteria 13 December 2019. Collection method: clinical testing. Allele origin: germline.
Comment: This variant was observed in the ICSL laboratory as part of a predisposition screen in an ostensibly healthy population. It had not been previously curated by ICSL or reported in the Human Gene Mutation Database (HGMD: prior to June 1st, 2018), and was therefore a candidate for classification through an automated scoring system. Utilizing variant allele frequency, disease prevalence and penetrance estimates, and inheritance mode, an automated score was calculated to assess if this variant is too frequent to cause the disease. Based on the score and internal cut-off values, a variant classified as benign is not then subjected to further curation. The score for this variant resulted in a classification of benign for this disease.

Illumina Laboratory Services, Illumina
Classification: Likely benign for Autosomal recessive Robinow syndrome. Last evaluated: 2018-01-12. Review status: criteria provided, single submitter. Criteria: ICSL Variant Classification Criteria 13 December 2019. Collection method: clinical testing. Allele origin: germline.
Comment: This variant was observed in the ICSL laboratory as part of a predisposition screen in an ostensibly healthy population. It had not been previously curated by ICSL or reported in the Human Gene Mutation Database (HGMD: prior to June 1st, 2018), and was therefore a candidate for classification through an automated scoring system. Utilizing variant allele frequency, disease prevalence and penetrance estimates, and inheritance mode, an automated score was calculated to assess if this variant is too frequent to cause the disease. Based on the score and internal cut-off values, a variant classified as likely benign is not then subjected to further curation. The score for this variant resulted in a classification of likely benign for this disease.